The following is an entry in ClinVar:

ClinVar aggregate classification (germline): Uncertain significance (1 of 4 stars; one submission).

Conditions:
Hereditary cancer-predisposing syndrome. Also called: Neoplastic Syndromes, Hereditary; Tumor predisposition; Hereditary Cancer Syndrome; Hereditary neoplastic syndrome. Identifiers: Orphanet 140162, MedGen C0027672, MeSH D009386, MONDO:0015356.

Submission:

Ambry Genetics
Classification: Uncertain significance for Hereditary cancer-predisposing syndrome. Last evaluated: 2024-10-07. Review status: criteria provided, single submitter. Criteria: Ambry Variant Classification Scheme 2023. Collection method: clinical testing. Allele origin: germline.
Comment: The p.E136D variant (also known as c.408A>C), located in coding exon 3 of the APC gene, results from an A to C substitution at nucleotide position 408. The glutamic acid at codon 136 is replaced by aspartic acid, an amino acid with highly similar properties. This amino acid position is highly conserved in available vertebrate species. In addition, in silico predictors for this gene do not accurately predict pathogenicity. Based on the available evidence, the clinical significance of this variant remains unclear.

NM_000038.6(APC):c.408A>C (p.Glu136Asp)

Gene: APC (APC regulator of Wnt signaling pathway; plus strand). Cytogenetic location: 5q22.2.
Variant type: single nucleotide variant.
Coding change: c.408A>C on transcript NM_000038.6 (MANE Select); coding-DNA position 408, A replaced by C.
Protein change: p.Glu136Asp; replaces glutamic acid 136 with aspartic acid.
Molecular consequence: missense variant. On other transcripts: 5 prime UTR variant (4), non-coding transcript variant (2).
Genome position (GRCh38, 1-based): chr5:112,767,376, A>C. VCF-style: chr5-112767376-A-C. GRCh37 (hg19) VCF-style: chr5-112103073-A-C.
Other names: c.408A>C, p.Glu136Asp (NM_001127510.3, NM_001354895.2, NM_001354896.2 and 16 more transcripts); c.438A>C, p.Glu146Asp (NM_001127511.3, NM_001354897.2, NM_001354902.2 and 1 more transcripts); c.333A>C, p.Glu111Asp (NM_001354898.2, NM_001354904.2, NM_001407451.1); c.231A>C, p.Glu77Asp (NM_001354900.2, NM_001354901.2, NM_001354905.2 and 1 more transcripts); c.-628A>C (NM_001354906.2, NM_001407470.1, NM_001407471.1 and 1 more transcripts); short protein forms E146D, E136D, E77D, E111D.
Identifiers: ClinVar variation 3411311 (VCV003411311.1).
Genomic context (GRCh38, chr5:112,767,376, plus strand): 5'-TTCATTTCCAAGAAGAGGGTTTGTAAATGGAAGCAGAGAAAGTACTGGATATTTAGAAGA[A>C]CTTGAGAAAGAGAGGTAACTTTTCTTCATATAGTAAACATTGCCTTGTGTACTCCAGTTT-3'
Protein context (NP_000029.2, residues 126-146): GSRESTGYLE[Glu136Asp]LEKERSLLLA